The following is an entry in ClinVar:

ClinVar aggregate classification (germline): Pathogenic (1 of 4 stars; one submission).

Conditions:
KBG syndrome (KBGS). Also called: ANKRD11-Related KBG Syndrome. Identifiers: Orphanet 2332, MedGen C0220687, MONDO:0007846, OMIM 148050.

Submission:

Medical Genetics Unit, Azienda USL-IRCCS di Reggio Emilia
Classification: Pathogenic for KBG syndrome. Last evaluated: 2022-07-27. Review status: criteria provided, single submitter. Criteria: ACMG Guidelines, 2015. Collection method: clinical testing. Allele origin: de novo. Affected: yes. Observed: 1 variant allele.
Comment: ACMG/AMP: PVS1,PS2,PM2

NM_013275.6(ANKRD11):c.505G>T (p.Glu169Ter)

Gene: ANKRD11 (ankyrin repeat domain 11; minus strand). Cytogenetic location: 16q24.3.
Variant type: single nucleotide variant.
Coding change: c.505G>T on transcript NM_013275.6 (MANE Select); coding-DNA position 505, G replaced by T.
Protein change: p.Glu169Ter; replaces glutamic acid 169 with a stop codon.
Molecular consequence: nonsense. On other transcripts: non-coding transcript variant (1).
Genome position (GRCh38, 1-based): chr16:89,290,721, C>A on the plus strand (G>T on the coding strand, the complement: ANKRD11 is on the minus strand). VCF-style: chr16-89290721-C-A. GRCh37 (hg19) VCF-style: chr16-89357129-C-A.
Other names: c.505G>T, p.Glu169Ter (NM_001256182.2, NM_001256183.2); short protein forms E169*.
Identifiers: ClinVar variation 2503456 (VCV002503456.1), dbSNP rs2544305829, ClinGen allele CA397167304.